The following is an entry in ClinVar:

NM_005450.6(NOG):c.655C>A (p.Pro219Thr)

Gene: NOG (noggin; plus strand). Cytogenetic location: 17q22.
Variant type: single nucleotide variant.
Coding change: c.655C>A on transcript NM_005450.6 (MANE Select); coding-DNA position 655, C replaced by A.
Protein change: p.Pro219Thr; replaces proline 219 with threonine.
Molecular consequence: missense variant.
Genome position (GRCh38, 1-based): chr17:56,594,878, C>A. VCF-style: chr17-56594878-C-A. GRCh37 (hg19) VCF-style: chr17-54672239-C-A.
Other names: short protein forms P219T.
Identifiers: ClinVar variation 1485076 (VCV001485076.6), dbSNP rs2145567632, ClinGen allele CA399966825.

ClinVar aggregate classification (germline): Uncertain significance (1 of 4 stars; one submission).

Submission:

Labcorp Genetics (formerly Invitae), Labcorp
Classification: Uncertain significance. Last evaluated: 2021-10-08. Review status: criteria provided, single submitter. Criteria: Invitae Variant Classification Sherloc (09022015). Collection method: clinical testing. Allele origin: germline.
Comment: In summary, the available evidence is currently insufficient to determine the role of this variant in disease. Therefore, it has been classified as a Variant of Uncertain Significance. Algorithms developed to predict the effect of missense changes on protein structure and function (SIFT, PolyPhen-2, Align-GVGD) all suggest that this variant is likely to be tolerated. This variant has not been reported in the literature in individuals affected with NOG-related conditions. This variant is not present in population databases (ExAC no frequency). This sequence change replaces proline with threonine at codon 219 of the NOG protein (p.Pro219Thr). The proline residue is highly conserved and there is a small physicochemical difference between proline and threonine.